The following is an entry in ClinVar:

ClinVar aggregate classification (germline): Conflicting classifications of pathogenicity. Review status: criteria provided, conflicting classifications (1 of 4 stars). 7 submissions from 7 submitters: Uncertain significance (1); Benign (4); Likely benign (1). 1 of the submissions does not count toward it. Last evaluated 2025-11-08.

Conditions:
MYO3A-related disorder. Also called: MYO3A-related condition.
Autosomal recessive nonsyndromic hearing loss 30. Identifiers: Orphanet 90636, MedGen C1846784, MONDO:0011774, OMIM 607101.

Allele frequency attached by ClinVar (database versions not stated): ESP Exome Variant Server 0.00008; gnomAD 0.00083; TOPMed 0.00150; 1000 Genomes Project 30x 0.00172; 1000 Genomes Project 0.00200.
gnomAD v4.1: 1,201 of 1,611,560 alleles (0.075%); highest among the groups gnomAD compares: East Asian, 2.4%; 20 homozygotes.

Submissions (7):

Labcorp Genetics (formerly Invitae), Labcorp
Classification: Benign. Last evaluated: 2025-11-08. Review status: criteria provided, single submitter. Criteria: Invitae Variant Classification Sherloc (09022015). Collection method: clinical testing. Allele origin: germline.

Blueprint Genetics
Classification: Likely benign. Last evaluated: 2024-11-18. Review status: criteria provided, single submitter. Criteria: ACMG Guidelines, 2015. Collection method: clinical testing. Allele origin: germline.

ARUP Laboratories, Molecular Genetics and Genomics, ARUP Laboratories
Classification: Benign for Autosomal recessive nonsyndromic hearing loss 30. Last evaluated: 2022-02-28. Review status: criteria provided, single submitter. Criteria: ARUP Molecular Germline Variant Investigation Process 2021. Collection method: clinical testing. Allele origin: germline.

GeneDx
Classification: Benign. Last evaluated: 2019-11-29. Review status: criteria provided, single submitter. Criteria: GeneDx Variant Classification Process June 2021. Collection method: clinical testing. Allele origin: germline. Affected: yes.

Illumina Laboratory Services, Illumina
Classification: Uncertain significance for Autosomal recessive nonsyndromic hearing loss 30. Last evaluated: 2018-01-13. Review status: criteria provided, single submitter. Criteria: ICSL Variant Classification Criteria 13 December 2019. Collection method: clinical testing. Allele origin: germline.

Laboratory for Molecular Medicine, Mass General Brigham Personalized Medicine
Classification: Benign. Last evaluated: 2016-03-29. Review status: criteria provided, single submitter. Criteria: LMM Criteria. Collection method: clinical testing. Allele origin: germline. Observed: 2 variant alleles.
Comment: p.Gly414Gly in Exon 13 of MYO3A: This variant is not expected to have clinical s ignificance because it does not alter an amino acid residue and is not located w ithin the splice consensus sequence. It has been identified in 1.9% (163/8644) o f East Asian chromosomes by the Exome Aggregation Consortium (ExAC.; dbSNP rs3758442).

PreventionGenetics, part of Exact Sciences
Classification: Benign for MYO3A-related condition. Last evaluated: 2019-10-03. Review status: no assertion criteria provided. Collection method: clinical testing. Allele origin: germline. Not counted in ClinVar's aggregate classification.
Comment: This variant is classified as benign based on ACMG/AMP sequence variant interpretation guidelines (Richards et al. 2015 PMID: 25741868, with internal and published modifications).

NM_017433.5(MYO3A):c.1242A>T (p.Gly414=)

Gene: MYO3A (myosin IIIA; plus strand). Cytogenetic location: 10p12.1.
Variant type: single nucleotide variant.
Coding change: c.1242A>T on transcript NM_017433.5 (MANE Select); coding-DNA position 1242, A replaced by T.
Protein change: p.Gly414=; no amino-acid change (glycine 414 retained).
Molecular consequence: synonymous variant.
Genome position (GRCh38, 1-based): chr10:26,070,182, A>T. VCF-style: chr10-26070182-A-T. GRCh37 (hg19) VCF-style: chr10-26359111-A-T.
Identifiers: ClinVar variation 178459 (VCV000178459.25), dbSNP rs3758442, ClinGen allele CA182373.